The following is an entry in ClinVar:

NM_001376.5(DYNC1H1):c.5180T>C (p.Phe1727Ser)

Gene: DYNC1H1 (dynein cytoplasmic 1 heavy chain 1; plus strand). Cytogenetic location: 14q32.31.
Variant type: single nucleotide variant.
Coding change: c.5180T>C on transcript NM_001376.5 (MANE Select); coding-DNA position 5180, T replaced by C.
Protein change: p.Phe1727Ser; replaces phenylalanine 1727 with serine.
Molecular consequence: missense variant.
Genome position (GRCh38, 1-based): chr14:102,004,892, T>C. VCF-style: chr14-102004892-T-C. GRCh37 (hg19) VCF-style: chr14-102471229-T-C.
Other names: short protein forms F1727S.
Identifiers: ClinVar variation 3676497 (VCV003676497.2).

ClinVar aggregate classification (germline): Uncertain significance (1 of 4 stars; one submission).

Conditions:
Charcot-Marie-Tooth disease axonal type 2O. Also called: CHARCOT-MARIE-TOOTH NEUROPATHY, AXONAL, TYPE 2O; CHARCOT-MARIE-TOOTH DISEASE, AXONAL, AUTOSOMAL DOMINANT, TYPE 2O; Charcot-Marie-Tooth Neuropathy Type 2O; Charcot-Marie-Tooth disease, axonal, type 20. Identifiers: Orphanet 284232, MedGen C3280220, MONDO:0013644, OMIM 614228.

gnomAD v4.1: 2 of 1,614,102 alleles (0.00012%); highest among the groups gnomAD compares: Non-Finnish European, 0.00017%; no homozygotes.

Submission:

Labcorp Genetics (formerly Invitae), Labcorp
Classification: Uncertain significance for Charcot-Marie-Tooth disease axonal type 2O. Last evaluated: 2024-04-18. Review status: criteria provided, single submitter. Criteria: Invitae Variant Classification Sherloc (09022015). Collection method: clinical testing. Allele origin: germline.
Comment: This sequence change replaces phenylalanine, which is neutral and non-polar, with serine, which is neutral and polar, at codon 1727 of the DYNC1H1 protein (p.Phe1727Ser). This variant is not present in population databases (gnomAD no frequency). This variant has not been reported in the literature in individuals affected with DYNC1H1-related conditions. Advanced modeling of protein sequence and biophysical properties (such as structural, functional, and spatial information, amino acid conservation, physicochemical variation, residue mobility, and thermodynamic stability) has been performed at Invitae for this missense variant, however the output from this modeling did not meet the statistical confidence thresholds required to predict the impact of this variant on DYNC1H1 protein function. In summary, the available evidence is currently insufficient to determine the role of this variant in disease. Therefore, it has been classified as a Variant of Uncertain Significance.